The following is an entry in ClinVar:

NM_004260.4(RECQL4):c.1090G>T (p.Val364Leu)

Gene: RECQL4 (RecQ like helicase 4; minus strand). Cytogenetic location: 8q24.3.
Variant type: single nucleotide variant.
Coding change: c.1090G>T on transcript NM_004260.4 (MANE Select); coding-DNA position 1090, G replaced by T.
Protein change: p.Val364Leu; replaces valine 364 with leucine.
Molecular consequence: missense variant.
Genome position (GRCh38, 1-based): chr8:144,516,029, C>A on the plus strand (G>T on the coding strand, the complement: RECQL4 is on the minus strand). VCF-style: chr8-144516029-C-A. GRCh37 (hg19) VCF-style: chr8-145741413-C-A.
Other names: short protein forms V364L.
Identifiers: ClinVar variation 567838 (VCV000567838.6), dbSNP rs144637135, ClinGen allele CA372688081.

ClinVar aggregate classification (germline): Uncertain significance (1 of 4 stars; one submission).

Conditions:
Baller-Gerold syndrome (BGS). Also called: CRANIOSYNOSTOSIS WITH RADIAL DEFECTS. Identifiers: Orphanet 1225, MedGen C0265308, MONDO:0009039, OMIM 218600.

gnomAD v4.1: 1 of 1,611,570 alleles (0.000062%); highest among the groups gnomAD compares: South Asian, 0.0011%; no homozygotes.

Submission:

Labcorp Genetics (formerly Invitae), Labcorp
Classification: Uncertain significance for Baller-Gerold syndrome. Last evaluated: 2020-02-27. Review status: criteria provided, single submitter. Criteria: Invitae Variant Classification Sherloc (09022015). Collection method: clinical testing. Allele origin: germline.
Comment: This sequence change replaces valine with leucine at codon 364 of the RECQL4 protein (p.Val364Leu). The valine residue is highly conserved and there is a small physicochemical difference between valine and leucine. This variant is not present in population databases (ExAC no frequency). This variant has not been reported in the literature in individuals with RECQL4-related disease. ClinVar contains an entry for this variant (Variation ID: 567838). Algorithms developed to predict the effect of missense changes on protein structure and function do not agree on the potential impact of this missense change (SIFT: "Tolerated"; PolyPhen-2: "Probably Damaging"; Align-GVGD: "Class C0"). In summary, the available evidence is currently insufficient to determine the role of this variant in disease. Therefore, it has been classified as a Variant of Uncertain Significance.